The following is an entry in ClinVar:

ClinVar aggregate classification (germline): Benign/Likely benign. Review status: criteria provided, multiple submitters, no conflicts (2 of 4 stars). 7 submissions from 7 submitters: Benign (4); Likely benign (2). 1 of the submissions does not count toward it. Last evaluated 2026-01-26.

Conditions:
Nephronophthisis. Also called: Juvenile Nephronophthisis. Identifiers: Orphanet 655, MedGen C0687120, MONDO:0019005, HP:0000090.

Allele frequency attached by ClinVar (database versions not stated): gnomAD exomes 0.00148; ExAC 0.00184; gnomAD 0.00519 and 0.00549; TOPMed 0.00625; ESP Exome Variant Server 0.00638; 1000 Genomes Project 0.00639; 1000 Genomes Project 30x 0.00656.
gnomAD v4.1: 1,605 of 1,607,312 alleles (0.1%); highest among the groups gnomAD compares: African/African-American, 1.8%; 13 homozygotes.

Submissions (7):

Labcorp Genetics (formerly Invitae), Labcorp
Classification: Benign for Nephronophthisis. Last evaluated: 2026-01-26. Review status: criteria provided, single submitter. Criteria: Invitae Variant Classification Sherloc (09022015). Collection method: clinical testing. Allele origin: germline.

Mayo Clinic Laboratories, Mayo Clinic
Classification: Likely benign. Last evaluated: 2025-04-09. Review status: criteria provided, single submitter. Criteria: ACMG Guidelines, 2015. Collection method: clinical testing. Allele origin: germline. Observed: 8 variant alleles.
Comment: BP4, BP7

Blueprint Genetics
Classification: Likely benign. Last evaluated: 2024-11-12. Review status: criteria provided, single submitter. Criteria: ACMG Guidelines, 2015. Collection method: clinical testing. Allele origin: germline.

Eurofins Ntd Llc (ga)
Classification: Benign. Last evaluated: 2014-04-17. Review status: criteria provided, single submitter. Criteria: EGL Classification Definitions 2015. Collection method: clinical testing. Allele origin: germline. Observed: 1 variant allele, 1 heterozygote.

Breakthrough Genomics
Classification: Benign. Review status: criteria provided, single submitter. Criteria: ACMG Guidelines, 2015. Collection method: not provided. Allele origin: germline. Inheritance: Autosomal recessive inheritance. Affected: yes.

PreventionGenetics, part of Exact Sciences
Classification: Benign. Review status: criteria provided, single submitter. Criteria: ACMG Guidelines, 2015. Collection method: clinical testing. Allele origin: germline.

Genetic Services Laboratory, University of Chicago
Classification: Benign. Last evaluated: 2022-08-15. Review status: no assertion criteria provided. Collection method: clinical testing. Allele origin: germline. Affected: no. Not counted in ClinVar's aggregate classification.

NM_014425.5(INVS):c.102C>T (p.Ile34=)

Gene: INVS (inversin; plus strand). Cytogenetic location: 9q31.1.
Variant type: single nucleotide variant.
Coding change: c.102C>T on transcript NM_014425.5 (MANE Select); coding-DNA position 102, C replaced by T.
Protein change: p.Ile34=; no amino-acid change (isoleucine 34 retained).
Molecular consequence: synonymous variant. On other transcripts: 5 prime UTR variant (2), non-coding transcript variant (1).
Genome position (GRCh38, 1-based): chr9:100,104,623, C>T. VCF-style: chr9-100104623-C-T. GRCh37 (hg19) VCF-style: chr9-102866905-C-T.
Other names: p.Ile34=; c.-275C>T (NM_001318381.2); c.-888C>T (NM_001318382.2).
Identifiers: ClinVar variation 167194 (VCV000167194.21), dbSNP rs115640267, ClinGen allele CA180127.